The following is an entry in ClinVar:

NM_003047.5(SLC9A1):c.1424C>G (p.Pro475Arg)

Genes: SLC9A1 (solute carrier family 9 member A1; minus strand), LOC126805673 (MED14-independent group 3 enhancer GRCh37_chr1:27431568-27432767; plus strand). Cytogenetic location: 1p36.11.
Variant type: single nucleotide variant.
Coding change: c.1424C>G on transcript NM_003047.5 (MANE Select); coding-DNA position 1424, C replaced by G.
Protein change: p.Pro475Arg; replaces proline 475 with arginine.
Molecular consequence: missense variant. On other transcripts: non-coding transcript variant (1).
Genome position (GRCh38, 1-based): chr1:27,105,946, G>C on the plus strand (C>G on the coding strand, the complement: SLC9A1 is on the minus strand). VCF-style: chr1-27105946-G-C. GRCh37 (hg19) VCF-style: chr1-27432437-G-C.
Other names: short protein forms P475R.
Identifiers: ClinVar variation 1305279 (VCV001305279.2), dbSNP rs2124137046, ClinGen allele CA339184982.

ClinVar aggregate classification (germline): Uncertain significance (1 of 4 stars; one submission).

Submission:

GeneDx
Classification: Uncertain significance. Last evaluated: 2019-05-01. Review status: criteria provided, single submitter. Criteria: GeneDx Variant Classification Process June 2021. Collection method: clinical testing. Allele origin: germline. Affected: yes.
Comment: Not observed in large population cohorts (Lek et al., 2016); In silico analysis, which includes protein predictors and evolutionary conservation, supports a deleterious effect; Has not been previously published as pathogenic or benign to our knowledge